The following is an entry in ClinVar:

NM_001110556.2(FLNA):c.1914G>T (p.Gln638His)

Gene: FLNA (filamin A; minus strand). Cytogenetic location: Xq28.
Variant type: single nucleotide variant.
Coding change: c.1914G>T on transcript NM_001110556.2 (MANE Select); coding-DNA position 1914, G replaced by T.
Protein change: p.Gln638His; replaces glutamine 638 with histidine.
Molecular consequence: missense variant.
Genome position (GRCh38, 1-based): chrX:154,364,634, C>A on the plus strand (G>T on the coding strand, the complement: FLNA is on the minus strand). VCF-style: chrX-154364634-C-A. GRCh37 (hg19) VCF-style: chrX-153593002-C-A.
Other names: c.1914G>T, p.Gln638His (NM_001456.4); short protein forms Q638H.
Identifiers: ClinVar variation 3754012 (VCV003754012.2).

ClinVar aggregate classification (germline): Uncertain significance (1 of 4 stars; one submission).

Conditions:
Melnick-Needles syndrome (MNS). Also called: MELNICK-NEEDLES OSTEODYSPLASTY; OSTEODYSPLASTY OF MELNICK AND NEEDLES; Melnick-Needles Syndrome (FLNA-MNS). Identifiers: Orphanet 2484, MedGen C0025237, MONDO:0010650, OMIM 309350.
Frontometaphyseal dysplasia (FMD1). Identifiers: Orphanet 1826, MedGen C0265293, MONDO:0015942.
Heterotopia, periventricular, X-linked dominant (PVNH1). Also called: PERIVENTRICULAR NODULAR HETEROTOPIA 1; X-linked periventricular heterotopia; PERIVENTRICULAR NODULAR HETEROTOPIA 4; HETEROTOPIA, PERIVENTRICULAR, 1. Identifiers: Orphanet 2149, Orphanet 82004, MedGen C1848213, MONDO:0010233, OMIM 300049.
Oto-palato-digital syndrome, type II (OPD2). Also called: FACIOPALATOOSSEOUS SYNDROME; OPD II SYNDROME; Otopalatodigital Syndrome, Type II; Otopalatodigital Syndrome Type 2 (FLNA-OPD2). Identifiers: Orphanet 669, Orphanet 90652, MedGen C1844696, MONDO:0010571, OMIM 304120.

Submission:

Labcorp Genetics (formerly Invitae), Labcorp
Classification: Uncertain significance for Oto-palato-digital syndrome, type II; Heterotopia, periventricular, X-linked dominant; Frontometaphyseal dysplasia; Melnick-Needles syndrome. Last evaluated: 2024-06-29. Review status: criteria provided, single submitter. Criteria: Invitae Variant Classification Sherloc (09022015). Collection method: clinical testing. Allele origin: germline.
Comment: This sequence change replaces glutamine, which is neutral and polar, with histidine, which is basic and polar, at codon 638 of the FLNA protein (p.Gln638His). This variant is not present in population databases (gnomAD no frequency). This variant has not been reported in the literature in individuals affected with FLNA-related conditions. Advanced modeling of protein sequence and biophysical properties (such as structural, functional, and spatial information, amino acid conservation, physicochemical variation, residue mobility, and thermodynamic stability) performed at Invitae indicates that this missense variant is not expected to disrupt FLNA protein function with a negative predictive value of 95%. In summary, the available evidence is currently insufficient to determine the role of this variant in disease. Therefore, it has been classified as a Variant of Uncertain Significance.